The following is an entry in ClinVar:

NM_001042492.3(NF1):c.3447_3448dup (p.Ser1150fs)

Gene: NF1 (neurofibromin 1; plus strand). Cytogenetic location: 17q11.2.
Variant type: Duplication.
Coding change: c.3447_3448dup on transcript NM_001042492.3 (MANE Select); coding-DNA positions 3447 to 3448, 2 bases duplicated (GT; older notation c.3447_3448dupGT).
Protein change: p.Ser1150fs; shifts the reading frame from serine 1150.
Molecular consequence: frameshift variant.
Genome position (GRCh38, 1-based): chr17:31,232,832-31,232,833, GT duplicated; duplicating any 2 consecutive bases within chr17:31,232,831-31,232,833 gives the same sequence; the c. name uses the placement nearest the transcript's 3' end. VCF-style (leftmost placement, unchanged base first): chr17-31232830-A-ATG. GRCh37 (hg19) VCF-style: chr17-29559848-A-ATG.
Other names: c.3447_3448dupGT (NM_000267.3); c.3447_3448dup, p.Ser1150Cysfs (NM_000267.4); short protein forms S1150fs.
Identifiers: ClinVar variation 644537 (VCV000644537.5), dbSNP rs1597719619, ClinGen allele CA915949895.

ClinVar aggregate classification (germline): Pathogenic (1 of 4 stars; one submission).

Conditions:
Neurofibromatosis, type 1 (NF1). Also called: NEUROFIBROMATOSIS, TYPE I, SOMATIC; VON RECKLINGHAUSEN DISEASE; Neurofibromatosis, type I; Peripheral type neurofibromatosis. Identifiers: Orphanet 636, MedGen C0027831, MONDO:0018975, OMIM 162200. Disease mechanism: loss of function.

Submission:

Labcorp Genetics (formerly Invitae), Labcorp
Classification: Pathogenic for Neurofibromatosis, type 1. Last evaluated: 2018-10-18. Review status: criteria provided, single submitter. Criteria: Invitae Variant Classification Sherloc (09022015). Collection method: clinical testing. Allele origin: germline.
Comment: This sequence change creates a premature translational stop signal (p.Ser1150Cysfs*9) in the NF1 gene. It is expected to result in an absent or disrupted protein product. This variant is not present in population databases (ExAC no frequency). This variant has not been reported in the literature in individuals with NF1-related disease. Loss-of-function variants in NF1 are known to be pathogenic (PMID: 10712197, 23913538). For these reasons, this variant has been classified as Pathogenic.

Literature cited by the submitters: PubMed 10712197; PubMed 23913538.